The following is an entry in ClinVar:

NM_003126.4(SPTA1):c.5620C>T (p.Arg1874Ter)

Gene: SPTA1 (spectrin alpha, erythrocytic 1; minus strand). Cytogenetic location: 1q23.1.
Variant type: single nucleotide variant.
Coding change: c.5620C>T on transcript NM_003126.4 (MANE Select); coding-DNA position 5620, C replaced by T.
Protein change: p.Arg1874Ter; replaces arginine 1874 with a stop codon.
Molecular consequence: nonsense.
Genome position (GRCh38, 1-based): chr1:158,627,669, G>A on the plus strand (C>T on the coding strand, the complement: SPTA1 is on the minus strand). VCF-style: chr1-158627669-G-A. GRCh37 (hg19) VCF-style: chr1-158597459-G-A.
Other names: short protein forms R1874*.
Identifiers: ClinVar variation 1330604 (VCV001330604.9), dbSNP rs749880846, ClinGen allele CA1182240.

ClinVar aggregate classification (germline): Likely pathogenic. Review status: criteria provided, multiple submitters, no conflicts (2 of 4 stars). 3 submissions from 3 submitters: Likely pathogenic (3). Last evaluated 2024-10-30.

Conditions:
SPTA1-related disorder. Also called: SPTA1-related disorders; SPTA1-related condition.

Allele frequency attached by ClinVar (database versions not stated): TOPMed below 0.00001; ExAC 0.00001; gnomAD 0.00001; gnomAD exomes 0.00001.
gnomAD v4.1: 15 of 1,613,230 alleles (0.00093%); highest among the groups gnomAD compares: East Asian, 0.0022%; no homozygotes.

Submissions (3):

Blueprint Genetics
Classification: Likely pathogenic for SPTA1-related disorders. Last evaluated: 2024-10-30. Review status: criteria provided, single submitter. Criteria: ACMG Guidelines, 2015. Collection method: clinical testing. Allele origin: germline. Affected: yes. Observed: 3 variant alleles.

Revvity Omics, Revvity
Classification: Likely pathogenic. Last evaluated: 2024-07-18. Review status: criteria provided, single submitter. Criteria: ACMG Guidelines, 2015. Collection method: clinical testing. Allele origin: germline.

ARUP Laboratories, Molecular Genetics and Genomics, ARUP Laboratories
Classification: Likely pathogenic. Last evaluated: 2021-03-02. Review status: criteria provided, single submitter. Criteria: ARUP Molecular Germline Variant Investigation Process 2021. Collection method: clinical testing. Allele origin: germline.
Comment: The SPTA1 c.5620C>T; p.Arg1874Ter variant (rs749880846), to our knowledge, is not reported in the medical literature or gene specific databases. This variant is found in the general population with an overall allele frequency of 0.001% (3/280,428 alleles) in the Genome Aggregation Database. This variant induces an early termination codon and is predicted to result in a truncated protein or mRNA subject to nonsense-mediated decay. Based on available information, this variant is considered to be pathogenic.